The following is an entry in ClinVar:

ClinVar aggregate classification (germline): Likely benign (1 of 4 stars; one submission).

Conditions:
Hereditary diffuse gastric adenocarcinoma (HDGC). Also called: DIFFUSE GASTRIC AND LOBULAR BREAST CANCER SYNDROME. Identifiers: Orphanet 26106, MedGen C1708349, MONDO:0007648, OMIM 137215.

Submission:

Myriad Genetics, Inc.
Classification: Likely benign for Hereditary diffuse gastric adenocarcinoma. Last evaluated: 2024-09-12. Review status: criteria provided, single submitter. Criteria: Myriad Autosomal Dominant, Autosomal Recessive and X-Linked Classification Criteria (2023). Collection method: clinical testing. Allele origin: unknown.
Comment: This variant is considered likely benign. This variant is intronic and is not expected to impact mRNA splicing.

NM_004360.5(CDH1):c.164-15A>G

Gene: CDH1 (cadherin 1; plus strand). Cytogenetic location: 16q22.1.
Variant type: single nucleotide variant.
Coding change: c.164-15A>G on transcript NM_004360.5 (MANE Select); 15 bases into the intron before coding-DNA position 164, A replaced by G.
Molecular consequence: intron variant.
Genome position (GRCh38, 1-based): chr16:68,801,655, A>G. VCF-style: chr16-68801655-A-G. GRCh37 (hg19) VCF-style: chr16-68835558-A-G.
Other names: c.-1452-15A>G (NM_001317185.2); c.-1656-15A>G (NM_001317186.2); c.164-15A>G (NM_001317184.2).
Identifiers: ClinVar variation 3378436 (VCV003378436.1).